The following is an entry in ClinVar:

NM_198525.3(KIF7):c.1416G>A (p.Gln472=)

Gene: KIF7 (kinesin family member 7; minus strand). Cytogenetic location: 15q26.1.
Variant type: single nucleotide variant.
Coding change: c.1416G>A on transcript NM_198525.3 (MANE Select); coding-DNA position 1416, G replaced by A.
Protein change: p.Gln472=; no amino-acid change (glutamine 472 retained).
Molecular consequence: synonymous variant.
Genome position (GRCh38, 1-based): chr15:89,648,282, C>T on the plus strand (G>A on the coding strand, the complement: KIF7 is on the minus strand). VCF-style: chr15-89648282-C-T. GRCh37 (hg19) VCF-style: chr15-90191513-C-T.
Identifiers: ClinVar variation 3029296 (VCV003029296.2), dbSNP rs552265210, ClinGen allele CA274582396.

ClinVar aggregate classification (germline): Likely benign (0 of 4 stars; one submission).

Conditions:
KIF7-related disorder. Also called: KIF7-related condition.

Allele frequency attached by ClinVar (database versions not stated): gnomAD 0.00003; TOPMed 0.00003; gnomAD exomes 0.00004; 1000 Genomes Project 30x 0.00016; 1000 Genomes Project 0.00020.
gnomAD v4.1: 54 of 1,521,594 alleles (0.0035%); highest among the groups gnomAD compares: Non-Finnish European, 0.0047%; no homozygotes.

Submission:

PreventionGenetics, part of Exact Sciences
Classification: Likely benign for KIF7-related condition. Last evaluated: 2022-02-04. Review status: no assertion criteria provided. Collection method: clinical testing. Allele origin: germline.
Comment: This variant is classified as likely benign based on ACMG/AMP sequence variant interpretation guidelines (Richards et al. 2015 PMID: 25741868, with internal and published modifications).